The following is an entry in ClinVar:

NM_014319.5(LEMD3):c.814A>G (p.Ser272Gly)

Gene: LEMD3 (LEM domain containing 3; plus strand). Cytogenetic location: 12q14.3.
Variant type: single nucleotide variant.
Coding change: c.814A>G on transcript NM_014319.5 (MANE Select); coding-DNA position 814, A replaced by G.
Protein change: p.Ser272Gly; replaces serine 272 with glycine.
Molecular consequence: missense variant.
Genome position (GRCh38, 1-based): chr12:65,170,410, A>G. VCF-style: chr12-65170410-A-G. GRCh37 (hg19) VCF-style: chr12-65564190-A-G.
Other names: c.814A>G, p.Ser272Gly (NM_001167614.2); short protein forms S272G.
Identifiers: ClinVar variation 3610197 (VCV003610197.2).

ClinVar aggregate classification (germline): Uncertain significance (1 of 4 stars; one submission).

Submission:

Labcorp Genetics (formerly Invitae), Labcorp
Classification: Uncertain significance. Last evaluated: 2024-06-11. Review status: criteria provided, single submitter. Criteria: Invitae Variant Classification Sherloc (09022015). Collection method: clinical testing. Allele origin: germline.
Comment: This sequence change replaces serine, which is neutral and polar, with glycine, which is neutral and non-polar, at codon 272 of the LEMD3 protein (p.Ser272Gly). This variant is not present in population databases (gnomAD no frequency). This variant has not been reported in the literature in individuals affected with LEMD3-related conditions. Advanced modeling of protein sequence and biophysical properties (such as structural, functional, and spatial information, amino acid conservation, physicochemical variation, residue mobility, and thermodynamic stability) performed at Invitae indicates that this missense variant is not expected to disrupt LEMD3 protein function with a negative predictive value of 80%. In summary, the available evidence is currently insufficient to determine the role of this variant in disease. Therefore, it has been classified as a Variant of Uncertain Significance.